The following is an entry in ClinVar:

ClinVar aggregate classification (germline): Pathogenic (1 of 4 stars; one submission).

Submission:

Labcorp Genetics (formerly Invitae), Labcorp
Classification: Pathogenic. Last evaluated: 2025-05-22. Review status: criteria provided, single submitter. Criteria: Invitae Variant Classification Sherloc (09022015). Collection method: clinical testing. Allele origin: germline.
Comment: This sequence change creates a premature translational stop signal (p.Tyr221Leufs*8) in the YARS2 gene. It is expected to result in an absent or disrupted protein product. Loss-of-function variants in YARS2 are known to be pathogenic (PMID: 20598274, 24344687, 25638461). This variant is not present in population databases (gnomAD no frequency). This variant has not been reported in the literature in individuals affected with YARS2-related conditions. For these reasons, this variant has been classified as Pathogenic.

Literature cited by the submitters: PubMed 20598274; PubMed 24344687; PubMed 25638461.

NM_001040436.3(YARS2):c.661dup (p.Tyr221fs)

Gene: YARS2 (tyrosyl-tRNA synthetase 2; minus strand). Cytogenetic location: 12p11.21.
Variant type: Duplication.
Coding change: c.661dup on transcript NM_001040436.3 (MANE Select); coding-DNA position 661, one base duplicated (T; older notation c.661dupT).
Protein change: p.Tyr221fs; shifts the reading frame from tyrosine 221.
Molecular consequence: frameshift variant.
Genome position (GRCh38, 1-based): chr12:32,755,214, A duplicated on the plus strand (T on the coding strand, the reverse complement: YARS2 is on the minus strand); the first of 4 consecutive A bases (chr12:32,755,214-32,755,217); duplicating any one gives the same sequence. VCF-style (leftmost placement, unchanged base first): chr12-32755213-T-TA. GRCh37 (hg19) VCF-style: chr12-32908147-T-TA.
Other names: short protein forms Y221fs.
Identifiers: ClinVar variation 4798526 (VCV004798526.1).